The following is an entry in ClinVar:

ClinVar aggregate classification (germline): Uncertain significance. Review status: criteria provided, multiple submitters, no conflicts (2 of 4 stars). 3 submissions from 3 submitters: Uncertain significance (2). 1 of the submissions does not count toward it. Last evaluated 2025-10-01.

Conditions:
EP300-related disorder. Also called: EP300-related disorders; EP300-related condition.
Rubinstein-Taybi syndrome due to EP300 haploinsufficiency. Also called: RUBINSTEIN-TAYBI SYNDROME 2; EP300-Related Rubinstein-Taybi Syndrome. Identifiers: Orphanet 353284, Orphanet 783, MedGen C3150941, MONDO:0013364, OMIM 613684.

Allele frequency attached by ClinVar (database versions not stated): gnomAD exomes 0.00001; gnomAD 0.00003; TOPMed 0.00003.
gnomAD v4.1: 16 of 1,614,074 alleles (0.00099%); highest among the groups gnomAD compares: African/African-American, 0.015%; no homozygotes.

Submissions (3):

Labcorp Genetics (formerly Invitae), Labcorp
Classification: Uncertain significance for Rubinstein-Taybi syndrome due to EP300 haploinsufficiency. Last evaluated: 2025-10-01. Review status: criteria provided, single submitter. Criteria: Invitae Variant Classification Sherloc (09022015). Collection method: clinical testing. Allele origin: germline.
Comment: This sequence change falls in intron 4 of the EP300 gene. It does not directly change the encoded amino acid sequence of the EP300 protein. It affects a nucleotide within the consensus splice site. This variant is present in population databases (no rsID available, gnomAD 0.02%). This variant has not been reported in the literature in individuals affected with EP300-related conditions. ClinVar contains an entry for this variant (Variation ID: 1309133). Variants that disrupt the consensus splice site are a relatively common cause of aberrant splicing (PMID: 17576681, 9536098). Algorithms developed to predict the effect of sequence changes on RNA splicing suggest that this variant is not likely to affect RNA splicing. In summary, the available evidence is currently insufficient to determine the role of this variant in disease. Therefore, it has been classified as a Variant of Uncertain Significance.

GeneDx
Classification: Uncertain significance. Last evaluated: 2020-10-07. Review status: criteria provided, single submitter. Criteria: GeneDx Variant Classification Process June 2021. Collection method: clinical testing. Allele origin: germline. Affected: yes.
Comment: Has not been previously published as pathogenic or benign to our knowledge; In-silico analysis, which includes splice predictors and evolutionary conservation, is inconclusive as to whether the variant alters gene splicing. In the absence of RNA/functional studies, the actual effect of this sequence change is unknown

PreventionGenetics, part of Exact Sciences
Classification: Uncertain significance for EP300-related condition. Last evaluated: 2024-02-07. Review status: no assertion criteria provided. Collection method: clinical testing. Allele origin: germline. Not counted in ClinVar's aggregate classification.
Comment: The EP300 c.1168+5G>A variant is predicted to interfere with splicing. To our knowledge, this variant has not been reported in the literature. This variant is reported in 0.012% of alleles in individuals of African descent in gnomAD. At this time, the clinical significance of this variant is uncertain due to the absence of conclusive functional and genetic evidence.

Literature cited by the submitters: PubMed 17576681 (cited by Labcorp Genetics (formerly Invitae), Labcorp); PubMed 9536098 (cited by Labcorp Genetics (formerly Invitae), Labcorp).

NM_001429.4(EP300):c.1168+5G>A

Gene: EP300 (EP300 lysine acetyltransferase; plus strand). Cytogenetic location: 22q13.2.
Variant type: single nucleotide variant.
Coding change: c.1168+5G>A on transcript NM_001429.4 (MANE Select); 5 bases into the intron after coding-DNA position 1168, G replaced by A.
Molecular consequence: intron variant.
Genome position (GRCh38, 1-based): chr22:41,127,753, G>A. VCF-style: chr22-41127753-G-A. GRCh37 (hg19) VCF-style: chr22-41523757-G-A.
Other names: c.1168+5G>A (NM_001362843.2, NM_001429.3).
Identifiers: ClinVar variation 1309133 (VCV001309133.4), dbSNP rs940896515, ClinGen allele CA324517905.